The following is an entry in ClinVar:

NM_001256715.2(DNAAF3):c.-4G>A

Genes: DNAAF3 (dynein axonemal assembly factor 3; minus strand), DNAAF3-AS1 (DNAAF3 antisense RNA 1; plus strand). Cytogenetic location: 19q13.42.
Variant type: single nucleotide variant.
Coding change: c.-4G>A on transcript NM_001256715.2 (MANE Select); 4 bases upstream of the start codon, G replaced by A.
Molecular consequence: 5 prime UTR variant. On other transcripts: synonymous variant (2).
Genome position (GRCh38, 1-based): chr19:55,166,417, C>T on the plus strand (G>A on the coding strand, the complement: DNAAF3 is on the minus strand). VCF-style: chr19-55166417-C-T. GRCh37 (hg19) VCF-style: chr19-55677785-C-T.
Other names: c.-242G>A (NM_001256716.2); c.138G>A, p.Arg46= (NM_178837.4, NM_001256714.1).
Identifiers: ClinVar variation 416069 (VCV000416069.17), dbSNP rs200851565, ClinGen allele CA9668280.
Genomic context (GRCh38, chr19:55,166,417, plus strand): 5'-CAGGCCCCACCAGGACACGGAGCCGAAGCCGCTGCCGGAGCCGGCAGGTGTGGTCATCAC[C>T]CTGCGGAAAAGACATTCTGGGAATCGCACACATTGCCCGCCCCGCTCCCCTCTCACCGCC-3'

ClinVar aggregate classification (germline): Benign/Likely benign. Review status: criteria provided, multiple submitters, no conflicts (2 of 4 stars). 4 submissions from 4 submitters: Benign (1); Likely benign (2). 1 of the submissions does not count toward it. Last evaluated 2025-12-29.

Conditions:
DNAAF3-related disorder. Also called: DNAAF3-related condition.
Primary ciliary dyskinesia. Also called: Ciliary dyskinesia. Identifiers: Orphanet 244, MedGen C0008780, MONDO:0016575, HP:0012265.

Allele frequency attached by ClinVar (database versions not stated): gnomAD exomes 0.00016 and 0.00043; ExAC 0.00044; ESP Exome Variant Server 0.00137; TOPMed 0.00160; 1000 Genomes Project 0.00240; 1000 Genomes Project 30x 0.00297.
gnomAD v4.1: 461 of 1,613,936 alleles (0.029%); highest among the groups gnomAD compares: African/African-American, 0.49%; 1 homozygote.

Submissions (4):

Labcorp Genetics (formerly Invitae), Labcorp
Classification: Likely benign for Primary ciliary dyskinesia. Last evaluated: 2025-12-29. Review status: criteria provided, single submitter. Criteria: Invitae Variant Classification Sherloc (09022015). Collection method: clinical testing. Allele origin: germline.

Blueprint Genetics
Classification: Likely benign. Last evaluated: 2023-11-13. Review status: criteria provided, single submitter. Criteria: ACMG Guidelines, 2015. Collection method: clinical testing. Allele origin: germline.

Ambry Genetics
Classification: Benign for Primary ciliary dyskinesia. Last evaluated: 2018-04-13. Review status: criteria provided, single submitter. Criteria: Ambry Variant Classification Scheme 2023. Collection method: clinical testing. Allele origin: germline.

PreventionGenetics, part of Exact Sciences
Classification: Likely benign for DNAAF3-related condition. Last evaluated: 2019-06-06. Review status: no assertion criteria provided. Collection method: clinical testing. Allele origin: germline. Not counted in ClinVar's aggregate classification.
Comment: This variant is classified as likely benign based on ACMG/AMP sequence variant interpretation guidelines (Richards et al. 2015 PMID: 25741868, with internal and published modifications).